The following is an entry in ClinVar:

NM_001111125.3(IQSEC2):c.1448C>T (p.Pro483Leu)

Gene: IQSEC2 (IQ motif and Sec7 domain ArfGEF 2; minus strand). Cytogenetic location: Xp11.22.
Variant type: single nucleotide variant.
Coding change: c.1448C>T on transcript NM_001111125.3 (MANE Select); coding-DNA position 1448, C replaced by T.
Protein change: p.Pro483Leu; replaces proline 483 with leucine.
Molecular consequence: missense variant.
Genome position (GRCh38, 1-based): chrX:53,251,128, G>A on the plus strand (C>T on the coding strand, the complement: IQSEC2 is on the minus strand). VCF-style: chrX-53251128-G-A. GRCh37 (hg19) VCF-style: chrX-53280310-G-A.
Other names: c.1448C>T, p.Pro483Leu (NM_001410736.1); c.833C>T, p.Pro278Leu (NM_015075.2); short protein forms P278L, P483L.
Identifiers: ClinVar variation 2134441 (VCV002134441.4), dbSNP rs782074960, ClinGen allele CA10420056.

ClinVar aggregate classification (germline): Uncertain significance (1 of 4 stars; one submission).

Conditions:
Intellectual developmental disorder, X-linked 1. Also called: Atkin Flaitz Patil Smith syndrome; Intellectual disability, X-linked 1; MENTAL RETARDATION, X-LINKED 18; MENTAL RETARDATION, X-LINKED 78. Identifiers: Orphanet 777, MedGen C2931498, MONDO:0010656, OMIM 309530.

Allele frequency attached by ClinVar (database versions not stated): gnomAD exomes below 0.00001; ExAC 0.00001; TOPMed 0.00001.
gnomAD v4.1: 4 of 1,211,915 alleles (0.00033%); highest among the groups gnomAD compares: Non-Finnish European, 0.00045%; no homozygotes.

Submission:

Labcorp Genetics (formerly Invitae), Labcorp
Classification: Uncertain significance for Intellectual developmental disorder, X-linked 1. Last evaluated: 2025-04-02. Review status: criteria provided, single submitter. Criteria: Invitae Variant Classification Sherloc (09022015). Collection method: clinical testing. Allele origin: germline.
Comment: This sequence change replaces proline, which is neutral and non-polar, with leucine, which is neutral and non-polar, at codon 483 of the IQSEC2 protein (p.Pro483Leu). This variant is not present in population databases (gnomAD no frequency). This variant has not been reported in the literature in individuals affected with IQSEC2-related conditions. ClinVar contains an entry for this variant (Variation ID: 2134441). Invitae Evidence Modeling of protein sequence and biophysical properties (such as structural, functional, and spatial information, amino acid conservation, physicochemical variation, residue mobility, and thermodynamic stability) indicates that this missense variant is not expected to disrupt IQSEC2 protein function with a negative predictive value of 95%. In summary, the available evidence is currently insufficient to determine the role of this variant in disease. Therefore, it has been classified as a Variant of Uncertain Significance.